The following is an entry in ClinVar:

ClinVar aggregate classification (germline): Uncertain significance (1 of 4 stars; one submission).

gnomAD v4.1: 22 of 1,612,594 alleles (0.0014%); highest among the groups gnomAD compares: South Asian, 0.023%; no homozygotes.

Submission:

Ambry Genetics
Classification: Uncertain significance. Last evaluated: 2025-02-17. Review status: criteria provided, single submitter. Criteria: Ambry Variant Classification Scheme 2023. Collection method: clinical testing. Allele origin: germline.
Comment: The p.A860D variant (also known as c.2579C>A), located in coding exon 13 of the GEN1 gene, results from a C to A substitution at nucleotide position 2579. The alanine at codon 860 is replaced by aspartic acid, an amino acid with dissimilar properties. This amino acid position is conserved. In addition, this alteration is predicted to be tolerated by in silico analysis. Based on the available evidence, the clinical significance of this variant remains unclear.

NM_001130009.3(GEN1):c.2579C>A (p.Ala860Asp)

Gene: GEN1 (GEN1 Holliday junction 5' flap endonuclease; plus strand). Cytogenetic location: 2p24.2.
Variant type: single nucleotide variant.
Coding change: c.2579C>A on transcript NM_001130009.3 (MANE Select); coding-DNA position 2579, C replaced by A.
Protein change: p.Ala860Asp; replaces alanine 860 with aspartic acid.
Molecular consequence: missense variant.
Genome position (GRCh38, 1-based): chr2:17,781,791, C>A. VCF-style: chr2-17781791-C-A. GRCh37 (hg19) VCF-style: chr2-17963058-C-A.
Other names: c.2579C>A, p.Ala860Asp (NM_182625.5); short protein forms A860D.
Identifiers: ClinVar variation 3853581 (VCV003853581.1).